The following is an entry in ClinVar:

ClinVar aggregate classification (germline): Uncertain significance (1 of 4 stars; one submission).

Allele frequency attached by ClinVar (database versions not stated): gnomAD exomes below 0.00001.
gnomAD v4.1: 1 of 1,613,906 alleles (0.000062%); highest among the groups gnomAD compares: Non-Finnish European, 0.000085%; no homozygotes.

Submission:

CeGaT Center for Human Genetics Tuebingen
Classification: Uncertain significance. Last evaluated: 2022-04-01. Review status: criteria provided, single submitter. Criteria: CeGaT Center For Human Genetics Tuebingen Variant Classification Criteria Version 2. Collection method: clinical testing. Allele origin: germline. Affected: yes. Observed: 1 variant allele.
Comment: COL4A1: PM2

NM_001845.6(COL4A1):c.1618A>G (p.Lys540Glu)

Gene: COL4A1 (collagen type IV alpha 1 chain; minus strand). Cytogenetic location: 13q34.
Variant type: single nucleotide variant.
Coding change: c.1618A>G on transcript NM_001845.6 (MANE Select); coding-DNA position 1618, A replaced by G.
Protein change: p.Lys540Glu; replaces lysine 540 with glutamic acid.
Molecular consequence: missense variant.
Genome position (GRCh38, 1-based): chr13:110,187,248, T>C on the plus strand (A>G on the coding strand, the complement: COL4A1 is on the minus strand). VCF-style: chr13-110187248-T-C. GRCh37 (hg19) VCF-style: chr13-110839595-T-C.
Other names: short protein forms K540E.
Identifiers: ClinVar variation 1694711 (VCV001694711.31), dbSNP rs1878444055, ClinGen allele CA388723074.